The following is an entry in ClinVar:

ClinVar aggregate classification (germline): Uncertain significance (1 of 4 stars; one submission).

Conditions:
Wiskott-Aldrich syndrome (WAS). Also called: ALDRICH SYNDROME; IMMUNODEFICIENCY 2; WISKOTT-ALDRICH SYNDROME 1; Wiskott-aldrich syndrome, somatic. Identifiers: Orphanet 906, MedGen C0043194, MONDO:0010518, OMIM 301000.
Thrombocytopenia 1. Also called: X-linked thrombocytopenia with normal platelets; X-Linked Thrombocytopenia (XLT); THROMBOCYTOPENIA, X-LINKED, 1. Identifiers: Orphanet 268322, Orphanet 852, MedGen C1839163, MONDO:0010743, OMIM 313900.
X-linked severe congenital neutropenia (SCNX). Identifiers: Orphanet 86788, MedGen C1845987, MONDO:0010294, OMIM 300299.

Submission:

Labcorp Genetics (formerly Invitae), Labcorp
Classification: Uncertain significance for Wiskott-Aldrich syndrome; X-linked severe congenital neutropenia; Thrombocytopenia 1. Last evaluated: 2024-06-24. Review status: criteria provided, single submitter. Criteria: Invitae Variant Classification Sherloc (09022015). Collection method: clinical testing. Allele origin: germline.
Comment: This sequence change replaces proline, which is neutral and non-polar, with threonine, which is neutral and polar, at codon 359 of the WAS protein (p.Pro359Thr). This variant is not present in population databases (gnomAD no frequency). This variant has not been reported in the literature in individuals affected with WAS-related conditions. Advanced modeling of protein sequence and biophysical properties (such as structural, functional, and spatial information, amino acid conservation, physicochemical variation, residue mobility, and thermodynamic stability) performed at Invitae indicates that this missense variant is not expected to disrupt WAS protein function with a negative predictive value of 80%. In summary, the available evidence is currently insufficient to determine the role of this variant in disease. Therefore, it has been classified as a Variant of Uncertain Significance.

NM_000377.3(WAS):c.1075C>A (p.Pro359Thr)

Gene: WAS (WASP actin nucleation promoting factor; plus strand). Cytogenetic location: Xp11.23.
Variant type: single nucleotide variant.
Coding change: c.1075C>A on transcript NM_000377.3 (MANE Select); coding-DNA position 1075, C replaced by A.
Protein change: p.Pro359Thr; replaces proline 359 with threonine.
Molecular consequence: missense variant.
Genome position (GRCh38, 1-based): chrX:48,688,803, C>A. VCF-style: chrX-48688803-C-A. GRCh37 (hg19) VCF-style: chrX-48547192-C-A.
Other names: short protein forms P359T.
Identifiers: ClinVar variation 3748445 (VCV003748445.2).